The following is an entry in ClinVar:

ClinVar aggregate classification (germline): Uncertain significance (1 of 4 stars; one submission).

Submission:

GeneDx
Classification: Uncertain significance. Last evaluated: 2022-05-09. Review status: criteria provided, single submitter. Criteria: GeneDx Variant Classification Process June 2021. Collection method: clinical testing. Allele origin: germline. Affected: yes.
Comment: Not observed at significant frequency in large population cohorts (gnomAD); In silico analysis supports that this missense variant does not alter protein structure/function; Has not been previously published as pathogenic or benign to our knowledge

NM_020822.3(KCNT1):c.2470T>C (p.Tyr824His)

Gene: KCNT1 (potassium sodium-activated channel subfamily T member 1; plus strand). Cytogenetic location: 9q34.3.
Variant type: single nucleotide variant.
Coding change: c.2470T>C on transcript NM_020822.3 (MANE Select); coding-DNA position 2470, T replaced by C.
Protein change: p.Tyr824His; replaces tyrosine 824 with histidine.
Molecular consequence: missense variant.
Genome position (GRCh38, 1-based): chr9:135,777,458, T>C. VCF-style: chr9-135777458-T-C. GRCh37 (hg19) VCF-style: chr9-138669304-T-C.
Other names: c.2335T>C, p.Tyr779His (NM_001272003.2); short protein forms Y779H, Y824H.
Identifiers: ClinVar variation 1723721 (VCV001723721.2), dbSNP rs2491024627, ClinGen allele CA375513517.